The following is an entry in ClinVar:

NM_001365276.2(TNXB):c.7936_7937insAAAGAGCAAGAGGG (p.Leu2646fs)

Gene: TNXB (tenascin XB; minus strand). Cytogenetic location: 6p21.33.
Variant type: Insertion.
Coding change: c.7936_7937insAAAGAGCAAGAGGG on transcript NM_001365276.2 (MANE Select); coding-DNA positions 7936 to 7937, AAAGAGCAAGAGGG inserted.
Protein change: p.Leu2646fs; shifts the reading frame from leucine 2646.
Molecular consequence: frameshift variant.
Genome position: GRCh38 VCF-style: chr6-32056792-A-ACCCTCTTGCTCTTT. GRCh37 (hg19) VCF-style: chr6-32024569-A-ACCCTCTTGCTCTTT.
Other names: c.8677_8678insAAAGAGCAAGAGGG, p.Leu2893fs (NM_001428335.1); c.7936_7937insAAAGAGCAAGAGGG, p.Leu2646fs (NM_019105.8); short protein forms L2646fs, L2893fs.
Identifiers: ClinVar variation 5016000 (VCV005016000.1).
Genomic context (GRCh38, chr6:32,056,792, plus strand): 5'-TCCCCATTCCTGTACTGGACCAGGAAGTGGTCAAACTGGCCCTCGGGAACCGTCCAGGAC[A>ACCCTCTTGCTCTTT]GGCTGAGGGAGTCAGGGGTGGCATCTGTCATGGTCAGCTCCCCCAGGCGAGGCTTGATGG-3'

ClinVar aggregate classification (germline): Pathogenic (1 of 4 stars; one submission).

Conditions:
Ehlers-Danlos syndrome due to tenascin-X deficiency (EDSCLL1). Also called: EDS DUE TO TNX DEFICIENCY; TNX DEFICIENCY; Ehlers-Danlos syndrome, classic-like, 1; EHLERS-DANLOS SYNDROME, CLASSIC-LIKE; TNXB-Related Classical-Like Ehlers-Danlos Syndrome. Identifiers: Orphanet 230839, MedGen C1848029, MONDO:0011670, OMIM 606408.

Submission:

Myriad Genetics, Inc.
Classification: Pathogenic for Ehlers-Danlos syndrome due to tenascin-X deficiency. Last evaluated: 2026-06-07. Review status: criteria provided, single submitter. Criteria: Myriad Autosomal Dominant, Autosomal Recessive and X-Linked Classification Criteria (2023). Collection method: clinical testing. Allele origin: unknown.
Comment: NM_019105.6(TNXB):c.7936_7937ins14(L2646Qfs*54) is expected to be pathogenic in the context of classical-like Ehlers-Danlos syndrome, TNXB-related. This variant is predicted to lead to an abnormal or absent protein product due to the creation of a premature termination codon in TNXB, a gene where loss-of-function variants are known to be pathogenic. Please note: this variant was assessed in the context of healthy population screening.